The following is an entry in ClinVar:

NM_181303.2(NLGN3):c.1709C>T (p.Pro570Leu)

Gene: NLGN3 (neuroligin 3; plus strand). Cytogenetic location: Xq13.1.
Variant type: single nucleotide variant.
Coding change: c.1709C>T on transcript NM_181303.2 (MANE Select); coding-DNA position 1709, C replaced by T.
Protein change: p.Pro570Leu; replaces proline 570 with leucine.
Molecular consequence: missense variant.
Genome position (GRCh38, 1-based): chrX:71,169,259, C>T. VCF-style: chrX-71169259-C-T. GRCh37 (hg19) VCF-style: chrX-70389109-C-T.
Other names: c.1589C>T, p.Pro530Leu (NM_001166660.2); c.1298C>T, p.Pro433Leu (NM_001321276.2); c.1649C>T, p.Pro550Leu (NM_018977.4); short protein forms P433L, P530L, P550L, P570L.
Identifiers: ClinVar variation 1312094 (VCV001312094.2), dbSNP rs2147913959, ClinGen allele CA413564396.

ClinVar aggregate classification (germline): Uncertain significance (1 of 4 stars; one submission).

Submission:

GeneDx
Classification: Uncertain significance. Last evaluated: 2019-09-17. Review status: criteria provided, single submitter. Criteria: GeneDx Variant Classification Process June 2021. Collection method: clinical testing. Allele origin: germline. Affected: yes.
Comment: Not observed in large population cohorts (Lek et al., 2016); In silico analysis, which includes protein predictors and evolutionary conservation, supports a deleterious effect; Has not been previously published as pathogenic or benign to our knowledge